The following is an entry in ClinVar:

ClinVar aggregate classification (germline): Uncertain significance (1 of 4 stars; one submission).

Conditions:
Perlman syndrome (PRLMNS). Identifiers: Orphanet 2849, MedGen C0796113, MONDO:0009965, OMIM 267000.

Allele frequency attached by ClinVar (database versions not stated): gnomAD exomes below 0.00001; gnomAD 0.00001; TOPMed 0.00002.
gnomAD v4.1: 5 of 1,595,542 alleles (0.00031%); highest among the groups gnomAD compares: African/African-American, 0.0027%; no homozygotes.

Submission:

Labcorp Genetics (formerly Invitae), Labcorp
Classification: Uncertain significance for Perlman syndrome. Last evaluated: 2024-05-22. Review status: criteria provided, single submitter. Criteria: Invitae Variant Classification Sherloc (09022015). Collection method: clinical testing. Allele origin: germline.
Comment: This sequence change affects codon 88 of the DIS3L2 mRNA. It is a 'silent' change, meaning that it does not change the encoded amino acid sequence of the DIS3L2 protein. This variant also falls at the last nucleotide of exon 4, which is part of the consensus splice site for this exon. This variant is present in population databases (no rsID available, gnomAD 0.004%). This variant has not been reported in the literature in individuals affected with DIS3L2-related conditions. ClinVar contains an entry for this variant (Variation ID: 852829). Variants that disrupt the consensus splice site are a relatively common cause of aberrant splicing (PMID: 17576681, 9536098). Algorithms developed to predict the effect of sequence changes on RNA splicing suggest that this variant is not likely to affect RNA splicing. In summary, the available evidence is currently insufficient to determine the role of this variant in disease. Therefore, it has been classified as a Variant of Uncertain Significance.

Literature cited by the submitters: PubMed 17576681; PubMed 9536098.

NM_152383.5(DIS3L2):c.264G>A (p.Pro88=)

Gene: DIS3L2 (DIS3 like 3'-5' exoribonuclease 2; plus strand). Cytogenetic location: 2q37.1.
Variant type: single nucleotide variant.
Coding change: c.264G>A on transcript NM_152383.5 (MANE Select); coding-DNA position 264, G replaced by A.
Protein change: p.Pro88=; no amino-acid change (proline 88 retained).
Molecular consequence: synonymous variant. On other transcripts: non-coding transcript variant (2).
Genome position (GRCh38, 1-based): chr2:232,024,330, G>A. VCF-style: chr2-232024330-G-A. GRCh37 (hg19) VCF-style: chr2-232889040-G-A.
Other names: c.264G>A, p.Pro88= (NM_001257281.2, NM_001257282.2).
Identifiers: ClinVar variation 852829 (VCV000852829.7), dbSNP rs887424420, ClinGen allele CA67500151.